The following is an entry in ClinVar:

NM_134269.3(SMTN):c.1893G>A (p.Leu631=)

Gene: SMTN (smoothelin; plus strand). Cytogenetic location: 22q12.2.
Variant type: single nucleotide variant.
Coding change: c.1893G>A on transcript NM_134269.3 (MANE Select); coding-DNA position 1893, G replaced by A.
Protein change: p.Leu631=; no amino-acid change (leucine 631 retained).
Molecular consequence: synonymous variant. On other transcripts: non-coding transcript variant (4), intron variant (1).
Genome position (GRCh38, 1-based): chr22:31,096,764, G>A. VCF-style: chr22-31096764-G-A. GRCh37 (hg19) VCF-style: chr22-31492750-G-A.
Other names: c.1893G>A, p.Leu631= (NM_001382646.1, NM_006932.5, NM_134270.3 and 4 more transcripts); c.867G>A, p.Leu289= (NM_001382648.1); c.1862-505G>A (NM_001382647.1); c.2148G>A, p.Leu716= (NM_001207017.1); c.2061G>A, p.Leu687= (NM_001207018.2); c.2175G>A, p.Leu725= (NM_001382642.1); c.2055G>A, p.Leu685= (NM_001382643.1, NM_001382644.1); c.1986G>A, p.Leu662= (NM_001382645.1).
Identifiers: ClinVar variation 2653067 (VCV002653067.24), dbSNP rs149563592, ClinGen allele CA10188188.

ClinVar aggregate classification (germline): Likely benign (1 of 4 stars; one submission).

Allele frequency attached by ClinVar (database versions not stated): 1000 Genomes Project 30x 0.00125; 1000 Genomes Project 0.00160; ExAC 0.00352; TOPMed 0.00371; gnomAD 0.00394; ESP Exome Variant Server 0.00431.
gnomAD v4.1: 8,511 of 1,557,132 alleles (0.55%); highest among the groups gnomAD compares: Non-Finnish European, 0.68%; 26 homozygotes.

Submission:

CeGaT Center for Human Genetics Tuebingen
Classification: Likely benign. Last evaluated: 2023-02-01. Review status: criteria provided, single submitter. Criteria: CeGaT Center For Human Genetics Tuebingen Variant Classification Criteria Version 2. Collection method: clinical testing. Allele origin: germline. Affected: yes. Observed: 1 variant allele.
Comment: SMTN: BP4, BP7